The following is an entry in ClinVar:

ClinVar aggregate classification (germline): Uncertain significance (1 of 4 stars; one submission).

gnomAD v4.1: 6 of 1,603,942 alleles (0.00037%); highest among the groups gnomAD compares: Non-Finnish European, 0.00051%; no homozygotes.

Submission:

Labcorp Genetics (formerly Invitae), Labcorp
Classification: Uncertain significance. Last evaluated: 2023-02-05. Review status: criteria provided, single submitter. Criteria: Invitae Variant Classification Sherloc (09022015). Collection method: clinical testing. Allele origin: germline.
Comment: In summary, the available evidence is currently insufficient to determine the role of this variant in disease. Therefore, it has been classified as a Variant of Uncertain Significance. Algorithms developed to predict the effect of missense changes on protein structure and function are either unavailable or do not agree on the potential impact of this missense change (SIFT: "Deleterious"; PolyPhen-2: "Benign"; Align-GVGD: "Class C0"). This variant has not been reported in the literature in individuals affected with RELB-related conditions. The frequency data for this variant in the population databases is considered unreliable, as metrics indicate poor data quality at this position in the gnomAD database. This sequence change replaces histidine, which is basic and polar, with glutamine, which is neutral and polar, at codon 215 of the RELB protein (p.His215Gln).

NM_006509.4(RELB):c.645C>A (p.His215Gln)

Gene: RELB (RELB proto-oncogene, NF-kB subunit; plus strand). Cytogenetic location: 19q13.32.
Variant type: single nucleotide variant.
Coding change: c.645C>A on transcript NM_006509.4 (MANE Select); coding-DNA position 645, C replaced by A.
Protein change: p.His215Gln; replaces histidine 215 with glutamine.
Molecular consequence: missense variant.
Genome position (GRCh38, 1-based): chr19:45,022,193, C>A. VCF-style: chr19-45022193-C-A. GRCh37 (hg19) VCF-style: chr19-45525451-C-A.
Other names: c.636C>A, p.His212Gln (NM_001411087.1); short protein forms H212Q, H215Q.
Identifiers: ClinVar variation 2808128 (VCV002808128.3), dbSNP rs774779724, ClinGen allele CA308893555.
Genomic context (GRCh38, chr19:45,022,193, plus strand): 5'-CCACAGCCTCGTGGGGAAAGACTGCACCGACGGCATCTGCAGGGTGCGGCTCCGGCCTCA[C>A]GTCAGCCCCCGGCACAGGTACCCACCCCCTGACCTCCGACCTCTCATCCTTGATCATGGA-3'
Protein context (NP_006500.2, residues 205-225): DGICRVRLRP[His215Gln]VSPRHSFNNL